The following is an entry in ClinVar:

ClinVar aggregate classification (germline): Uncertain significance. Review status: criteria provided, multiple submitters, no conflicts (2 of 4 stars). 2 submissions from 2 submitters: Uncertain significance (2). Last evaluated 2023-09-11.

Conditions:
Neurofibromatosis, type 2 (SWNV). Also called: BILATERAL ACOUSTIC NEUROFIBROMATOSIS; SCHWANNOMATOSIS, VESTIBULAR; NF2-Related Schwannomatosis. Identifiers: Orphanet 637, MedGen C0027832, MONDO:0007039, OMIM 101000. Disease mechanism: loss of function.
Hereditary cancer-predisposing syndrome. Also called: Neoplastic Syndromes, Hereditary; Hereditary Cancer Syndrome; Tumor predisposition; Hereditary neoplastic syndrome. Identifiers: Orphanet 140162, MedGen C0027672, MeSH D009386, MONDO:0015356.

Submissions (2):

Ambry Genetics
Classification: Uncertain significance for Hereditary cancer-predisposing syndrome. Last evaluated: 2023-09-11. Review status: criteria provided, single submitter. Criteria: Ambry Variant Classification Scheme 2023. Collection method: clinical testing. Allele origin: germline.
Comment: The p.K15Q variant (also known as c.43A>C), located in coding exon 1 of the NF2 gene, results from an A to C substitution at nucleotide position 43. The lysine at codon 15 is replaced by glutamine, an amino acid with similar properties. This amino acid position is conserved. In addition, the in silico prediction for this alteration is inconclusive. Since supporting evidence is limited at this time, the clinical significance of this alteration remains unclear.

Labcorp Genetics (formerly Invitae), Labcorp
Classification: Uncertain significance for Neurofibromatosis, type 2. Last evaluated: 2023-06-24. Review status: criteria provided, single submitter. Criteria: Invitae Variant Classification Sherloc (09022015). Collection method: clinical testing. Allele origin: germline.
Comment: This sequence change replaces lysine, which is basic and polar, with glutamine, which is neutral and polar, at codon 15 of the NF2 protein (p.Lys15Gln). In summary, the available evidence is currently insufficient to determine the role of this variant in disease. Therefore, it has been classified as a Variant of Uncertain Significance. An algorithm developed to predict the effect of missense changes on protein structure and function (PolyPhen-2) suggests that this variant is likely to be tolerated. This variant has not been reported in the literature in individuals affected with NF2-related conditions. This variant is not present in population databases (gnomAD no frequency).

NM_000268.4(NF2):c.43A>C (p.Lys15Gln)

Gene: NF2 (NF2, moesin-ezrin-radixin like (MERLIN) tumor suppressor; plus strand). Cytogenetic location: 22q12.2.
Variant type: single nucleotide variant.
Coding change: c.43A>C on transcript NM_000268.4 (MANE Select); coding-DNA position 43, A replaced by C.
Protein change: p.Lys15Gln; replaces lysine 15 with glutamine.
Molecular consequence: missense variant. On other transcripts: 5 prime UTR variant (4), non-coding transcript variant (1).
Genome position (GRCh38, 1-based): chr22:29,604,041, A>C. VCF-style: chr22-29604041-A-C. GRCh37 (hg19) VCF-style: chr22-30000030-A-C.
Other names: c.-188A>C (NM_001407053.1, NM_001407056.1); c.43A>C, p.Lys15Gln (NM_001407054.1, NM_001407055.1, NM_001407057.1 and 15 more transcripts); c.-598A>C (NM_001407065.1); c.-214A>C (NM_001407067.1); short protein forms K15Q.
Identifiers: ClinVar variation 2587709 (VCV002587709.5), dbSNP rs1555978356, ClinGen allele CA411145904.